The following is an entry in ClinVar:

ClinVar aggregate classification (germline): Benign (0 of 4 stars; one submission).

Conditions:
AFF3-related disorder. Also called: AFF3-related condition.

Submission:

PreventionGenetics, part of Exact Sciences
Classification: Benign for AFF3-related condition. Last evaluated: 2019-03-25. Review status: no assertion criteria provided. Collection method: clinical testing. Allele origin: germline.
Comment: This variant is classified as benign based on ACMG/AMP sequence variant interpretation guidelines (Richards et al. 2015 PMID: 25741868, with internal and published modifications).

NM_001386135.1(AFF3):c.1781_1785del (p.Thr594fs)

Gene: AFF3 (ALF transcription elongation factor 3; minus strand). Cytogenetic location: 2q11.2.
Variant type: Deletion.
Coding change: c.1781_1785del on transcript NM_001386135.1 (MANE Select); coding-DNA positions 1781 to 1785, 5 bases deleted (CCTCA; older notation c.1781_1785delCCTCA).
Protein change: p.Thr594fs; shifts the reading frame from threonine 594.
Molecular consequence: frameshift variant.
Genome position (GRCh38, 1-based): chr2:99,593,876-99,593,880, TGAGG deleted on the plus strand (CCTCA on the coding strand, the reverse complement: AFF3 is on the minus strand); deleting any 5 consecutive bases within chr2:99,593,876-99,593,881 gives the same sequence; the c. name uses the placement nearest the transcript's 3' end. VCF-style (leftmost placement, unchanged base first): chr2-99593875-CTGAGG-C. GRCh37 (hg19) VCF-style: chr2-100210337-CTGAGG-C.
Other names: c.1856_1860del, p.Thr619fs (NM_001025108.2); c.1781_1785del, p.Thr594fs (NM_002285.3); short protein forms T594fs, T619fs.
Identifiers: ClinVar variation 3059258 (VCV003059258.2), dbSNP rs199557232, ClinGen allele CA1801046.